The following is an entry in ClinVar:

ClinVar aggregate classification (germline): Benign/Likely benign. Review status: criteria provided, multiple submitters, no conflicts (2 of 4 stars). 2 submissions from 2 submitters: Benign (1); Likely benign (1). Last evaluated 2025-06-04.

Conditions:
ARHGAP24-related disorder. Also called: ARHGAP24-related condition.

gnomAD v4.1: 530 of 1,613,968 alleles (0.033%); highest among the groups gnomAD compares: South Asian, 0.54%; 5 homozygotes.

Submissions (2):

Labcorp Genetics (formerly Invitae), Labcorp
Classification: Benign. Last evaluated: 2025-06-04. Review status: criteria provided, single submitter. Criteria: Invitae Variant Classification Sherloc (09022015). Collection method: clinical testing. Allele origin: germline.

PreventionGenetics, part of Exact Sciences
Classification: Likely benign for ARHGAP24-related condition. Last evaluated: 2025-01-24. Review status: criteria provided, single submitter. Criteria: ACMG Guidelines, 2015. Collection method: clinical testing. Allele origin: germline.
Comment: This variant is classified as likely benign based on ACMG/AMP sequence variant interpretation guidelines (Richards et al. 2015 PMID: 25741868, with internal and published modifications).

NM_001025616.3(ARHGAP24):c.1974G>A (p.Gln658=)

Gene: ARHGAP24 (Rho GTPase activating protein 24; plus strand). Cytogenetic location: 4q21.23.
Variant type: single nucleotide variant.
Coding change: c.1974G>A on transcript NM_001025616.3 (MANE Select); coding-DNA position 1974, G replaced by A.
Protein change: p.Gln658=; no amino-acid change (glutamine 658 retained).
Molecular consequence: synonymous variant.
Genome position (GRCh38, 1-based): chr4:85,995,628, G>A. VCF-style: chr4-85995628-G-A. GRCh37 (hg19) VCF-style: chr4-86916781-G-A.
Other names: c.1689G>A, p.Gln563= (NM_001042669.2); c.1719G>A, p.Gln573= (NM_001287805.2); c.1395G>A, p.Gln465= (NM_001346093.2); c.1695G>A, p.Gln565= (NM_031305.3); c.1974G>A (NM_001025616.2).
Identifiers: ClinVar variation 4711103 (VCV004711103.2).